The following is an entry in ClinVar:

ClinVar aggregate classification (germline): Uncertain significance (1 of 4 stars; one submission).

Conditions:
Familial thoracic aortic aneurysm and aortic dissection (TAAD). Also called: Thoracic aortic aneurysms and dissections. Identifiers: Orphanet 91387, MedGen C4707243, MONDO:0019625.

Submission:

Ambry Genetics
Classification: Uncertain significance for Familial thoracic aortic aneurysm and aortic dissection. Last evaluated: 2026-05-21. Review status: criteria provided, single submitter. Criteria: Ambry Variant Classification Scheme 2023. Collection method: clinical testing. Allele origin: germline.
Comment: The p.A364P variant (also known as c.1090G>C), located in coding exon 10 of the PRKG1 gene, results from a G to C substitution at nucleotide position 1090. The alanine at codon 364 is replaced by proline, an amino acid with highly similar properties. This amino acid position is conserved. In addition, this alteration is predicted to be tolerated by in silico analysis. Based on the available evidence, the clinical significance of this variant remains unclear.

NM_006258.4(PRKG1):c.1090G>C (p.Ala364Pro)

Gene: PRKG1 (protein kinase cGMP-dependent 1; plus strand). Cytogenetic location: 10q21.1.
Variant type: single nucleotide variant.
Coding change: c.1090G>C on transcript NM_006258.4 (MANE Select); coding-DNA position 1090, G replaced by C.
Protein change: p.Ala364Pro; replaces alanine 364 with proline.
Molecular consequence: missense variant. On other transcripts: 5 prime UTR variant (1).
Genome position (GRCh38, 1-based): chr10:52,251,583, G>C. VCF-style: chr10-52251583-G-C. GRCh37 (hg19) VCF-style: chr10-54011343-G-C.
Other names: c.1045G>C, p.Ala349Pro (NM_001098512.3); c.-120G>C (NM_001374781.1); short protein forms A349P, A364P.
Identifiers: ClinVar variation 4862533 (VCV004862533.1).